The following is an entry in ClinVar:

NM_003482.4(KMT2D):c.11325C>T (p.Gly3775=)

Gene: KMT2D (lysine methyltransferase 2D; minus strand). Cytogenetic location: 12q13.12.
Variant type: single nucleotide variant.
Coding change: c.11325C>T on transcript NM_003482.4 (MANE Select); coding-DNA position 11325, C replaced by T.
Protein change: p.Gly3775=; no amino-acid change (glycine 3775 retained).
Molecular consequence: synonymous variant.
Genome position (GRCh38, 1-based): chr12:49,033,380, G>A on the plus strand (C>T on the coding strand, the complement: KMT2D is on the minus strand). VCF-style: chr12-49033380-G-A. GRCh37 (hg19) VCF-style: chr12-49427163-G-A.
Identifiers: ClinVar variation 1195588 (VCV001195588.11), dbSNP rs758530825, ClinGen allele CA6546326.

ClinVar aggregate classification (germline): Likely benign. Review status: criteria provided, multiple submitters, no conflicts (2 of 4 stars). 3 submissions from 3 submitters: Likely benign (3). Last evaluated 2026-01-20.

Conditions:
Kabuki syndrome. Also called: NIIKAWA-KUROKI SYNDROME; Kabuki make-up syndrome. Identifiers: Orphanet 2322, MedGen C0796004, MONDO:0016512.

Allele frequency attached by ClinVar (database versions not stated): gnomAD 0.00001; gnomAD exomes 0.00001; TOPMed 0.00001.

Submissions (3):

Labcorp Genetics (formerly Invitae), Labcorp
Classification: Likely benign for Kabuki syndrome. Last evaluated: 2026-01-20. Review status: criteria provided, single submitter. Criteria: Invitae Variant Classification Sherloc (09022015). Collection method: clinical testing. Allele origin: germline.

CeGaT Center for Human Genetics Tuebingen
Classification: Likely benign. Last evaluated: 2026-01-01. Review status: criteria provided, single submitter. Criteria: CeGaT Center For Human Genetics Tuebingen Variant Classification Criteria Version 2. Collection method: clinical testing. Allele origin: germline. Affected: yes. Observed: 1 variant allele.
Comment: KMT2D: BP4, BP7

GeneDx
Classification: Likely benign. Last evaluated: 2020-12-11. Review status: criteria provided, single submitter. Criteria: GeneDx Variant Classification Process June 2021. Collection method: clinical testing. Allele origin: germline. Affected: yes.